The following is an entry in ClinVar:

ClinVar aggregate classification (germline): Benign. Review status: criteria provided, multiple submitters, no conflicts (2 of 4 stars). 3 submissions from 3 submitters: Benign (3). Last evaluated 2025-11-03.

Allele frequency attached by ClinVar (database versions not stated): TOPMed 0.23496; gnomAD exomes 0.25694; 1000 Genomes Project 30x 0.27467; 1000 Genomes Project 0.28115.

Submissions (3):

Labcorp Genetics (formerly Invitae), Labcorp
Classification: Benign. Last evaluated: 2025-11-03. Review status: criteria provided, single submitter. Criteria: Invitae Variant Classification Sherloc (09022015). Collection method: clinical testing. Allele origin: germline.

GeneDx
Classification: Benign. Last evaluated: 2018-10-16. Review status: criteria provided, single submitter. Criteria: GeneDx Variant Classification Process June 2021. Collection method: clinical testing. Allele origin: germline. Affected: yes.
Comment: This variant is associated with the following publications: (PMID: 19492344, 20432245, 16497730, 27362534)

Breakthrough Genomics
Classification: Benign. Review status: criteria provided, single submitter. Criteria: ACMG Guidelines, 2015. Collection method: not provided. Allele origin: germline. Inheritance: Autosomal recessive inheritance. Affected: yes.

NM_001200.4(BMP2):c.*244A>C

Gene: BMP2 (bone morphogenetic protein 2; plus strand). Cytogenetic location: 20p12.3.
Variant type: single nucleotide variant.
Coding change: c.*244A>C on transcript NM_001200.4 (MANE Select); 244 bases downstream of the stop codon, A replaced by C.
Molecular consequence: 3 prime UTR variant.
Genome position (GRCh38, 1-based): chr20:6,779,333, A>C. VCF-style: chr20-6779333-A-C. GRCh37 (hg19) VCF-style: chr20-6759980-A-C.
Identifiers: ClinVar variation 1169224 (VCV001169224.10), dbSNP rs15705, ClinGen allele CA14826039.